The following is an entry in ClinVar:

NM_001042492.3(NF1):c.6907C>A (p.Pro2303Thr)

Gene: NF1 (neurofibromin 1; plus strand). Cytogenetic location: 17q11.2.
Variant type: single nucleotide variant.
Coding change: c.6907C>A on transcript NM_001042492.3 (MANE Select); coding-DNA position 6907, C replaced by A.
Protein change: p.Pro2303Thr; replaces proline 2303 with threonine.
Molecular consequence: missense variant.
Genome position (GRCh38, 1-based): chr17:31,338,791, C>A. VCF-style: chr17-31338791-C-A. GRCh37 (hg19) VCF-style: chr17-29665809-C-A.
Other names: c.6844C>A, p.Pro2282Thr (NM_000267.4); short protein forms P2303T, P2282T.
Identifiers: ClinVar variation 3879022 (VCV003879022.1).
Genomic context (GRCh38, chr17:31,338,791, plus strand): 5'-GACACTTACAACAGTCAAGTTCTGATAGAAGCTACAGTAATAGCACTAACCAAATTACAG[C>A]CACTTCTTAATAAGGTAATTACTGTATAGAAAATGAGTGCATTCATTTTGGGTATCAGTG-3'
Protein context (NP_001035957.1, residues 2293-2313): ATVIALTKLQ[Pro2303Thr]LLNKDSPLHK

ClinVar aggregate classification (germline): Uncertain significance (1 of 4 stars; one submission).

Conditions:
Cardiovascular phenotype. Identifiers: MedGen CN230736.
Hereditary cancer-predisposing syndrome. Also called: Tumor predisposition; Neoplastic Syndromes, Hereditary; Hereditary Cancer Syndrome; Hereditary neoplastic syndrome. Identifiers: Orphanet 140162, MedGen C0027672, MeSH D009386, MONDO:0015356.

Submission:

Ambry Genetics
Classification: Uncertain significance for Cardiovascular phenotype; Hereditary cancer-predisposing syndrome. Last evaluated: 2024-12-24. Review status: criteria provided, single submitter. Criteria: Ambry Variant Classification Scheme 2023. Collection method: clinical testing. Allele origin: germline.
Comment: The p.P2282T variant (also known as c.6844C>A), located in coding exon 45 of the NF1 gene, results from a C to A substitution at nucleotide position 6844. The proline at codon 2282 is replaced by threonine, an amino acid with highly similar properties. This amino acid position is conserved. In addition, the in silico prediction for this alteration is inconclusive. Based on the available evidence, the clinical significance of this variant remains unclear.